The following is an entry in ClinVar:

NM_004863.4(SPTLC2):c.756+3A>G

Gene: SPTLC2 (serine palmitoyltransferase long chain base subunit 2; minus strand). Cytogenetic location: 14q24.3.
Variant type: single nucleotide variant.
Coding change: c.756+3A>G on transcript NM_004863.4 (MANE Select); 3 bases into the intron after coding-DNA position 756, A replaced by G.
Molecular consequence: intron variant.
Genome position (GRCh38, 1-based): chr14:77,570,381, T>C on the plus strand (A>G on the coding strand, the complement: SPTLC2 is on the minus strand). VCF-style: chr14-77570381-T-C. GRCh37 (hg19) VCF-style: chr14-78036724-T-C.
Identifiers: ClinVar variation 1312195 (VCV001312195.7), dbSNP rs1033756932, ClinGen allele CA263857228.
Genomic context (GRCh38, chr14:77,570,381, plus strand): 5'-CTGCTTTTCAAAACAAAAGAAGATATACATGAGGGAGTTTTCATAAATGACAGAGTATCT[T>C]ACTTTGCCAACAAGAGCAGGAATGTTCATTGAATTCGTTGCAAATCCCATGCCATACGCC-3'

ClinVar aggregate classification (germline): Uncertain significance. Review status: criteria provided, multiple submitters, no conflicts (2 of 4 stars). 2 submissions from 2 submitters: Uncertain significance (2). Last evaluated 2021-08-22.

Conditions:
Neuropathy, hereditary sensory and autonomic, type 1C. Also called: HSAN IC; HSN IC. Identifiers: Orphanet 36386, MedGen C3150896, MONDO:0013337, OMIM 613640.

Allele frequency attached by ClinVar (database versions not stated): gnomAD exomes below 0.00001; gnomAD 0.00001; TOPMed 0.00002.
gnomAD v4.1: 5 of 1,612,834 alleles (0.00031%); highest among the groups gnomAD compares: Admixed American, 0.0033%; no homozygotes.

Submissions (2):

Labcorp Genetics (formerly Invitae), Labcorp
Classification: Uncertain significance for Neuropathy, hereditary sensory and autonomic, type 1C. Last evaluated: 2021-08-22. Review status: criteria provided, single submitter. Criteria: Invitae Variant Classification Sherloc (09022015). Collection method: clinical testing. Allele origin: germline.
Comment: This sequence change falls in intron 5 of the SPTLC2 gene. It does not directly change the encoded amino acid sequence of the SPTLC2 protein. It affects a nucleotide within the consensus splice site of the intron. This variant is not present in population databases (ExAC no frequency). This variant has not been reported in the literature in individuals affected with SPTLC2-related conditions. Variants that disrupt the consensus splice site are a relatively common cause of aberrant splicing (PMID: 17576681, 9536098). Algorithms developed to predict the effect of sequence changes on RNA splicing suggest that this variant may disrupt the consensus splice site. In summary, the available evidence is currently insufficient to determine the role of this variant in disease. Therefore, it has been classified as a Variant of Uncertain Significance.

GeneDx
Classification: Uncertain significance. Last evaluated: 2019-09-10. Review status: criteria provided, single submitter. Criteria: GeneDx Variant Classification Process June 2021. Collection method: clinical testing. Allele origin: germline. Affected: yes.
Comment: Not observed in large population cohorts (Lek et al., 2016); Has not been previously published as pathogenic or benign to our knowledge; In-silico analysis, which includes splice predictors and evolutionary conservation, is inconclusive as to whether the variant alters gene splicing. In the absence of RNA/functional studies, the actual effect of this sequence change is unknown.

Literature cited by the submitters: PubMed 17576681 (cited by Labcorp Genetics (formerly Invitae), Labcorp); PubMed 9536098 (cited by Labcorp Genetics (formerly Invitae), Labcorp).